The following is an entry in ClinVar:

NM_017934.7(PHIP):c.5132G>T (p.Arg1711Leu)

Genes: IRAK1BP1 (interleukin 1 receptor associated kinase 1 binding protein 1; plus strand), PHIP (PHIP subunit of CUL4-Ring ligase complex; minus strand). Cytogenetic location: 6q14.1.
Variant type: single nucleotide variant.
Coding change: c.5132G>T on transcript NM_017934.7 (MANE Select); coding-DNA position 5132, G replaced by T.
Protein change: p.Arg1711Leu; replaces arginine 1711 with leucine.
Molecular consequence: missense variant.
Genome position (GRCh38, 1-based): chr6:78,941,027, C>A on the plus strand (G>T on the coding strand, the complement: PHIP is on the minus strand). VCF-style: chr6-78941027-C-A. GRCh37 (hg19) VCF-style: chr6-79650744-C-A.
Other names: c.5132G>T (NM_017934.6); short protein forms R1711L.
Identifiers: ClinVar variation 3702241 (VCV003702241.3).

ClinVar aggregate classification (germline): Conflicting classifications of pathogenicity. Review status: criteria provided, conflicting classifications (1 of 4 stars). 2 submissions from 2 submitters: Uncertain significance (1); Likely benign (1). Last evaluated 2026-01-20.

Conditions:
PHIP-related disorder. Also called: PHIP-related disorders; PHIP-related condition.

gnomAD v4.1: 5 of 1,613,768 alleles (0.00031%); highest among the groups gnomAD compares: Non-Finnish European, 0.00042%; no homozygotes.

Submissions (2):

PreventionGenetics, part of Exact Sciences
Classification: Uncertain significance for PHIP-related condition. Last evaluated: 2026-01-20. Review status: criteria provided, single submitter. Criteria: ACMG Guidelines, 2015. Collection method: clinical testing. Allele origin: germline.
Comment: The PHIP c.5132G>T variant is predicted to result in the amino acid substitution p.Arg1711Leu. To our knowledge, this variant has not been reported in the literature. This variant is reported in 0.0062% of alleles in individuals of African descent in gnomAD. At this time, the clinical significance of this variant is uncertain due to the absence of conclusive functional and genetic evidence.

Labcorp Genetics (formerly Invitae), Labcorp
Classification: Likely benign. Last evaluated: 2024-11-11. Review status: criteria provided, single submitter. Criteria: Invitae Variant Classification Sherloc (09022015). Collection method: clinical testing. Allele origin: germline.